The following is an entry in ClinVar:

ClinVar aggregate classification (germline): Uncertain significance (1 of 4 stars; one submission).

Conditions:
Bethlem myopathy 1A. Also called: Bethlem myopathy 1; Bethlem Muscular Dystrophy; MYOPATHY, BENIGN CONGENITAL, WITH CONTRACTURES. Identifiers: Orphanet 610, MedGen CN029274, MONDO:0024530, OMIM 158810.

Submission:

Labcorp Genetics (formerly Invitae), Labcorp
Classification: Uncertain significance for Bethlem myopathy 1A. Last evaluated: 2022-08-16. Review status: criteria provided, single submitter. Criteria: Invitae Variant Classification Sherloc (09022015). Collection method: clinical testing. Allele origin: germline.
Comment: In summary, the available evidence is currently insufficient to determine the role of this variant in disease. Therefore, it has been classified as a Variant of Uncertain Significance. Advanced modeling of protein sequence and biophysical properties (such as structural, functional, and spatial information, amino acid conservation, physicochemical variation, residue mobility, and thermodynamic stability) performed at Invitae indicates that this missense variant is not expected to disrupt COL6A3 protein function. ClinVar contains an entry for this variant (Variation ID: 1371232). This variant has not been reported in the literature in individuals affected with COL6A3-related conditions. This variant is not present in population databases (gnomAD no frequency). This sequence change replaces glutamic acid, which is acidic and polar, with glycine, which is neutral and non-polar, at codon 2026 of the COL6A3 protein (p.Glu2026Gly).

NM_004369.4(COL6A3):c.6077A>G (p.Glu2026Gly)

Gene: COL6A3 (collagen type VI alpha 3 chain; minus strand). Cytogenetic location: 2q37.3.
Variant type: single nucleotide variant.
Coding change: c.6077A>G on transcript NM_004369.4 (MANE Select); coding-DNA position 6077, A replaced by G.
Protein change: p.Glu2026Gly; replaces glutamic acid 2026 with glycine.
Molecular consequence: missense variant.
Genome position (GRCh38, 1-based): chr2:237,361,818, T>C on the plus strand (A>G on the coding strand, the complement: COL6A3 is on the minus strand). VCF-style: chr2-237361818-T-C. GRCh37 (hg19) VCF-style: chr2-238270461-T-C.
Other names: c.4256A>G, p.Glu1419Gly (NM_057166.5); c.5459A>G, p.Glu1820Gly (NM_057167.4); short protein forms E2026G, E1419G, E1820G.
Identifiers: ClinVar variation 1371232 (VCV001371232.6), dbSNP rs2106344266, ClinGen allele CA351217960.